The following is an entry in ClinVar:

ClinVar aggregate classification (germline): Likely pathogenic (1 of 4 stars; one submission).

Submission:

CeGaT Center for Human Genetics Tuebingen
Classification: Likely pathogenic. Last evaluated: 2026-07-01. Review status: criteria provided, single submitter. Criteria: CeGaT Center For Human Genetics Tuebingen Variant Classification Criteria Version 2. Collection method: clinical testing. Allele origin: germline. Affected: yes. Observed: 1 variant allele.
Comment: NOTCH3: PM1:Strong, PM2, PM5:Supporting, PS4:Supporting

NM_000435.3(NOTCH3):c.2125T>C (p.Cys709Arg)

Gene: NOTCH3 (notch receptor 3; minus strand). Cytogenetic location: 19p13.12.
Variant type: single nucleotide variant.
Coding change: c.2125T>C on transcript NM_000435.3 (MANE Select); coding-DNA position 2125, T replaced by C.
Protein change: p.Cys709Arg; replaces cysteine 709 with arginine.
Molecular consequence: missense variant.
Genome position (GRCh38, 1-based): chr19:15,185,506, A>G on the plus strand (T>C on the coding strand, the complement: NOTCH3 is on the minus strand). VCF-style: chr19-15185506-A-G. GRCh37 (hg19) VCF-style: chr19-15296317-A-G.
Other names: short protein forms C709R.
Identifiers: ClinVar variation 5039686 (VCV005039686.1).